The following is an entry in ClinVar:

ClinVar aggregate classification (germline): Pathogenic (1 of 4 stars; one submission).

Conditions:
Rare genetic deafness. Identifiers: Orphanet 96210, MedGen C5680250.

Submission:

Laboratory for Molecular Medicine, Mass General Brigham Personalized Medicine
Classification: Pathogenic for Rare genetic deafness. Last evaluated: 2016-01-04. Review status: criteria provided, single submitter. Criteria: LMM Criteria. Collection method: clinical testing. Allele origin: germline. Inheritance: Autosomal dominant inheritance. Observed: 2 variant alleles.
Comment: The deletion of exons 3-10 in the MITF gene has been previously reported in an i ndividual with Waardenburg syndrome (Milunsky 2007). This variant leads to a co py number loss of at least the last 8 exons (exons 3-10) of the MITF gene, and i s predicted to lead to a truncated or absent protein. Haploinsufficiency due to loss of function variants affecting one copy of the MITF gene is an established disease mechanism in Waardenburg syndrome. In summary, this variant meets our c riteria to be classified as pathogenic for Waardenburg syndrome in an autosomal dominant manner based upon its predicted impact to the protein. It should be not ed that the exact breakpoints of the detected could not be determined due to lim itations of the testing methodology.

Literature cited by the submitters: PubMed 17627390.

NM_198159.2(MITF):c.(?_355)-1203_*(78_?)del

Genes: MITF (melanocyte inducing transcription factor; plus strand), LOC107988030 (MITF-M promoter region; plus strand). Cytogenetic location: 3p13.
Variant type: Deletion.
Identifiers: ClinVar variation 228360 (VCV000228360.4).